The following is an entry in ClinVar:

ClinVar aggregate classification (germline): Uncertain significance. Review status: criteria provided, single submitter (1 of 4 stars). 2 submissions from 2 submitters: Uncertain significance (1). 1 of the submissions does not count toward it. Last evaluated 2025-12-23.

Conditions:
KSR2-related disorder. Also called: KSR2-related condition.

Allele frequency attached by ClinVar (database versions not stated): ExAC 0.00013; TOPMed 0.00069; 1000 Genomes Project 0.00120; ESP Exome Variant Server 0.00033; 1000 Genomes Project 30x 0.00094; gnomAD exomes 0.00006.
gnomAD v4.1: 179 of 1,609,016 alleles (0.011%); highest among the groups gnomAD compares: African/African-American, 0.21%; no homozygotes.

Submissions (2):

Labcorp Genetics (formerly Invitae), Labcorp
Classification: Uncertain significance. Last evaluated: 2025-12-23. Review status: criteria provided, single submitter. Criteria: Invitae Variant Classification Sherloc (09022015). Collection method: clinical testing. Allele origin: germline.
Comment: This sequence change replaces glutamine, which is neutral and polar, with glutamic acid, which is acidic and polar, at codon 168 of the KSR2 protein (p.Gln168Glu). This variant is present in population databases (rs371215270, gnomAD 0.2%), and has an allele count higher than expected for a pathogenic variant. This variant has not been reported in the literature in individuals affected with KSR2-related conditions. ClinVar contains an entry for this variant (Variation ID: 3037306). An algorithm developed to predict the effect of missense changes on protein structure and function (PolyPhen-2) suggests that this variant is likely to be tolerated. In summary, the available evidence is currently insufficient to determine the role of this variant in disease. Therefore, it has been classified as a Variant of Uncertain Significance.

PreventionGenetics, part of Exact Sciences
Classification: Likely benign for KSR2-related condition. Last evaluated: 2022-04-21. Review status: no assertion criteria provided. Collection method: clinical testing. Allele origin: germline. Not counted in ClinVar's aggregate classification.
Comment: This variant is classified as likely benign based on ACMG/AMP sequence variant interpretation guidelines (Richards et al. 2015 PMID: 25741868, with internal and published modifications).

NM_173598.6(KSR2):c.589C>G (p.Gln197Glu)

Gene: KSR2 (kinase suppressor of ras 2; minus strand). Cytogenetic location: 12q24.23.
Variant type: single nucleotide variant.
Coding change: c.589C>G on transcript NM_173598.6 (MANE Select); coding-DNA position 589, C replaced by G.
Protein change: p.Gln197Glu; replaces glutamine 197 with glutamic acid.
Molecular consequence: missense variant.
Genome position (GRCh38, 1-based): chr12:117,761,408, G>C on the plus strand (C>G on the coding strand, the complement: KSR2 is on the minus strand). VCF-style: chr12-117761408-G-C. GRCh37 (hg19) VCF-style: chr12-118199213-G-C.
Other names: short protein forms Q197E.
Identifiers: ClinVar variation 3037306 (VCV003037306.4), dbSNP rs371215270, ClinGen allele CA6816297.